The following is an entry in ClinVar:

NM_022041.4(GAN):c.27C>G (p.Asp9Glu)

Genes: GAN (gigaxonin; plus strand), LOC130059498 (ATAC-STARR-seq lymphoblastoid silent region 7753; plus strand). Cytogenetic location: 16q23.2.
Variant type: single nucleotide variant.
Coding change: c.27C>G on transcript NM_022041.4 (MANE Select); coding-DNA position 27, C replaced by G.
Protein change: p.Asp9Glu; replaces aspartic acid 9 with glutamic acid.
Molecular consequence: missense variant. On other transcripts: 5 prime UTR variant (1).
Genome position (GRCh38, 1-based): chr16:81,315,140, C>G. VCF-style: chr16-81315140-C-G. GRCh37 (hg19) VCF-style: chr16-81348745-C-G.
Other names: c.-498C>G (NM_001377486.1); short protein forms D9E.
Identifiers: ClinVar variation 2867015 (VCV002867015.3), dbSNP rs777103014, ClinGen allele CA396854376.

ClinVar aggregate classification (germline): Uncertain significance (1 of 4 stars; one submission).

Conditions:
Giant axonal neuropathy 1 (GAN1). Also called: GAN-Related Neurodegeneration; GIANT AXONAL NEUROPATHY 1, AUTOSOMAL RECESSIVE. Identifiers: Orphanet 643, MedGen C1850386, MONDO:0009749, OMIM 256850.

gnomAD v4.1: 1 of 1,534,560 alleles (0.000065%); highest among the groups gnomAD compares: Non-Finnish European, 0.000088%; no homozygotes.

Submission:

Labcorp Genetics (formerly Invitae), Labcorp
Classification: Uncertain significance for Giant axonal neuropathy 1. Last evaluated: 2023-06-14. Review status: criteria provided, single submitter. Criteria: Invitae Variant Classification Sherloc (09022015). Collection method: clinical testing. Allele origin: germline.
Comment: An algorithm developed to predict the effect of missense changes on protein structure and function (PolyPhen-2) suggests that this variant is likely to be tolerated. This variant has not been reported in the literature in individuals affected with GAN-related conditions. This variant is not present in population databases (gnomAD no frequency). This sequence change replaces aspartic acid, which is acidic and polar, with glutamic acid, which is acidic and polar, at codon 9 of the GAN protein (p.Asp9Glu). In summary, the available evidence is currently insufficient to determine the role of this variant in disease. Therefore, it has been classified as a Variant of Uncertain Significance.